The following is an entry in ClinVar:

NM_000090.4(COL3A1):c.3363+4A>C

Gene: COL3A1 (collagen type III alpha 1 chain; plus strand). Cytogenetic location: 2q32.2.
Variant type: single nucleotide variant.
Coding change: c.3363+4A>C on transcript NM_000090.4 (MANE Select); 4 bases into the intron after coding-DNA position 3363, A replaced by C.
Molecular consequence: intron variant.
Genome position (GRCh38, 1-based): chr2:189,007,611, A>C. VCF-style: chr2-189007611-A-C. GRCh37 (hg19) VCF-style: chr2-189872337-A-C.
Identifiers: ClinVar variation 2775148 (VCV002775148.2), dbSNP rs2469161924, ClinGen allele CA2697551452.

ClinVar aggregate classification (germline): Uncertain significance (1 of 4 stars; one submission).

Conditions:
Familial thoracic aortic aneurysm and aortic dissection (TAAD). Also called: Thoracic aortic aneurysms and dissections. Identifiers: Orphanet 91387, MedGen C4707243, MONDO:0019625.

Submission:

Color Diagnostics, LLC DBA Color Health
Classification: Uncertain significance for Familial thoracic aortic aneurysm and aortic dissection. Last evaluated: 2022-11-16. Review status: criteria provided, single submitter. Criteria: ACMG Guidelines, 2015. Collection method: clinical testing. Allele origin: germline.
Comment: This variant causes an A to C nucleotide substitution at the +4 position of intron 45 of the COL3A1 gene. Splice prediction tools are inconclusive regarding the impact of this variant on RNA splicing. To our knowledge, functional studies have not been reported for this variant. This variant has not been reported in individuals affected with COL3A1-related disorders in the literature. This variant has not been identified in the general population by the Genome Aggregation Database (gnomAD). The available evidence is insufficient to determine the role of this variant in disease conclusively. Therefore, this variant is classified as a Variant of Uncertain Significance.